The following is an entry in ClinVar:

ClinVar aggregate classification (germline): Uncertain significance (1 of 4 stars; one submission).

Submission:

Labcorp Genetics (formerly Invitae), Labcorp
Classification: Uncertain significance. Last evaluated: 2022-07-06. Review status: criteria provided, single submitter. Criteria: Invitae Variant Classification Sherloc (09022015). Collection method: clinical testing. Allele origin: germline.
Comment: This variant, c.1929_1937del, results in the deletion of 3 amino acid(s) of the COL27A1 protein (p.Leu644_Gly646del), but otherwise preserves the integrity of the reading frame. This variant is present in population databases (rs538164777, gnomAD 0.2%). This variant has not been reported in the literature in individuals affected with COL27A1-related conditions. Experimental studies and prediction algorithms are not available or were not evaluated, and the functional significance of this variant is currently unknown. In summary, the available evidence is currently insufficient to determine the role of this variant in disease. Therefore, it has been classified as a Variant of Uncertain Significance.

NM_032888.4(COL27A1):c.1920GCTACCTGG[1] (p.641LPG[1])

Gene: COL27A1 (collagen type XXVII alpha 1 chain; plus strand). Cytogenetic location: 9q32.
Variant type: Microsatellite.
Coding change: c.1920GCTACCTGG[1] on transcript NM_032888.4 (MANE Select); one copy of the 9-base unit GCTACCTGG starting at c.1920; the reference has two copies in a row; one copy, 9 bases deleted.
Protein change: p.641LPG[1].
Molecular consequence: inframe deletion.
Genome position (GRCh38, 1-based): chr9:114,178,311-114,178,319, GCTACCTGG deleted; deleting any 9 consecutive bases within chr9:114,178,297-114,178,319 gives the same sequence; the position shown is the placement nearest the transcript's 3' end. VCF-style (leftmost placement, unchanged base first): chr9-114178296-CCCTGGGCTA-C. GRCh37 (hg19) VCF-style: chr9-116940576-CCCTGGGCTA-C.
Identifiers: ClinVar variation 2044073 (VCV002044073.1), dbSNP rs538164777, ClinGen allele CA5201533.